The following is an entry in ClinVar:

ClinVar aggregate classification (germline): Uncertain significance. Review status: criteria provided, multiple submitters, no conflicts (2 of 4 stars). 4 submissions from 4 submitters: Uncertain significance (4). Last evaluated 2025-01-15.

Conditions:
Inborn genetic diseases. Identifiers: MedGen C0950123, MeSH D030342.
Progressive myoclonic epilepsy. Also called: Familial progressive myoclonic epilepsy; Progressive myoclonus epilepsy; Myoclonic Epilepsies, Progressive; Myoclonus epilepsy. Identifiers: Orphanet 308, Orphanet 98261, MedGen C0751778, MONDO:0020074.

Allele frequency attached by ClinVar (database versions not stated): gnomAD exomes 0.00001; gnomAD 0.00009 and 0.00011; TOPMed 0.00029.
gnomAD v4.1: 32 of 1,613,938 alleles (0.002%); highest among the groups gnomAD compares: Admixed American, 0.032%; no homozygotes.

Submissions (4):

Labcorp Genetics (formerly Invitae), Labcorp
Classification: Uncertain significance for Progressive myoclonic epilepsy. Last evaluated: 2025-01-15. Review status: criteria provided, single submitter. Criteria: Invitae Variant Classification Sherloc (09022015). Collection method: clinical testing. Allele origin: germline.
Comment: This sequence change replaces isoleucine, which is neutral and non-polar, with valine, which is neutral and non-polar, at codon 164 of the EPM2A protein (p.Ile164Val). This variant is present in population databases (rs199856913, gnomAD 0.006%). This variant has not been reported in the literature in individuals affected with EPM2A-related conditions. ClinVar contains an entry for this variant (Variation ID: 567836). Invitae Evidence Modeling of protein sequence and biophysical properties (such as structural, functional, and spatial information, amino acid conservation, physicochemical variation, residue mobility, and thermodynamic stability) has been performed for this missense variant. However, the output from this modeling did not meet the statistical confidence thresholds required to predict the impact of this variant on EPM2A protein function. In summary, the available evidence is currently insufficient to determine the role of this variant in disease. Therefore, it has been classified as a Variant of Uncertain Significance.

Ambry Genetics
Classification: Uncertain significance for Inborn genetic diseases. Last evaluated: 2023-12-28. Review status: criteria provided, single submitter. Criteria: Ambry Variant Classification Scheme 2023. Collection method: clinical testing. Allele origin: germline.

GeneDx
Classification: Uncertain significance. Last evaluated: 2022-04-28. Review status: criteria provided, single submitter. Criteria: GeneDx Variant Classification Process June 2021. Collection method: clinical testing. Allele origin: germline. Affected: yes.
Comment: Not observed at significant frequency in large population cohorts (gnomAD); In silico analysis supports that this missense variant does not alter protein structure/function; Has not been previously published as pathogenic or benign to our knowledge

Athena Diagnostics
Classification: Uncertain significance. Last evaluated: 2018-12-28. Review status: criteria provided, single submitter. Criteria: Athena Diagnostics Criteria. Collection method: clinical testing. Allele origin: germline.

NM_005670.4(EPM2A):c.490A>G (p.Ile164Val)

Gene: EPM2A (EPM2A glucan phosphatase, laforin; minus strand). Cytogenetic location: 6q24.3.
Variant type: single nucleotide variant.
Coding change: c.490A>G on transcript NM_005670.4 (MANE Select); coding-DNA position 490, A replaced by G.
Protein change: p.Ile164Val; replaces isoleucine 164 with valine.
Molecular consequence: missense variant. On other transcripts: intron variant (1).
Genome position (GRCh38, 1-based): chr6:145,635,473, T>C on the plus strand (A>G on the coding strand, the complement: EPM2A is on the minus strand). VCF-style: chr6-145635473-T-C. GRCh37 (hg19) VCF-style: chr6-145956609-T-C.
Other names: c.490A>G, p.Ile164Val (NM_001018041.2, NM_001368130.1); c.76A>G, p.Ile26Val (NM_001360064.2, NM_001360071.2, NM_001368131.1); c.28A>G, p.Ile10Val (NM_001368129.2, NM_001368132.1); c.477-7780A>G (NM_001360057.2); short protein forms I164V, I10V, I26V.
Identifiers: ClinVar variation 567836 (VCV000567836.16), dbSNP rs199856913, ClinGen allele CA149184191.